The following is an entry in ClinVar:

ClinVar aggregate classification (germline): Uncertain significance. Review status: criteria provided, multiple submitters, no conflicts (2 of 4 stars). 3 submissions from 3 submitters: Uncertain significance (3). Last evaluated 2023-05-18.

Conditions:
Hereditary cancer-predisposing syndrome. Also called: Hereditary Cancer Syndrome; Tumor predisposition; Neoplastic Syndromes, Hereditary; Hereditary neoplastic syndrome. Identifiers: Orphanet 140162, MedGen C0027672, MeSH D009386, MONDO:0015356.
Oligodontia-cancer predisposition syndrome. Also called: TOOTH AGENESIS-COLORECTAL CANCER SYNDROME. Identifiers: Orphanet 300576, MedGen C1837750, MONDO:0012075, OMIM 608615. Disease mechanism: loss of function.

Allele frequency attached by ClinVar (database versions not stated): gnomAD exomes below 0.00001.
gnomAD v4.1: 2 of 1,613,808 alleles (0.00012%); highest among the groups gnomAD compares: Non-Finnish European, 0.000085%; no homozygotes.

Submissions (3):

Ambry Genetics
Classification: Uncertain significance for Hereditary cancer-predisposing syndrome. Last evaluated: 2023-05-18. Review status: criteria provided, single submitter. Criteria: Ambry Variant Classification Scheme 2023. Collection method: clinical testing. Allele origin: germline.
Comment: The p.F679L variant (also known as c.2037C>G), located in coding exon 7 of the AXIN2 gene, results from a C to G substitution at nucleotide position 2037. The phenylalanine at codon 679 is replaced by leucine, an amino acid with highly similar properties. This amino acid position is well conserved in available vertebrate species. In addition, this alteration is predicted to be tolerated by in silico analysis. Since supporting evidence is limited at this time, the clinical significance of this alteration remains unclear.

Labcorp Genetics (formerly Invitae), Labcorp
Classification: Uncertain significance for Oligodontia-cancer predisposition syndrome. Last evaluated: 2023-04-06. Review status: criteria provided, single submitter. Criteria: Invitae Variant Classification Sherloc (09022015). Collection method: clinical testing. Allele origin: germline.
Comment: This sequence change replaces phenylalanine, which is neutral and non-polar, with leucine, which is neutral and non-polar, at codon 679 of the AXIN2 protein (p.Phe679Leu). This variant is present in population databases (no rsID available, gnomAD 0.0009%). This variant has not been reported in the literature in individuals affected with AXIN2-related conditions. ClinVar contains an entry for this variant (Variation ID: 1015856). Advanced modeling of protein sequence and biophysical properties (such as structural, functional, and spatial information, amino acid conservation, physicochemical variation, residue mobility, and thermodynamic stability) performed at Invitae indicates that this missense variant is not expected to disrupt AXIN2 protein function. In summary, the available evidence is currently insufficient to determine the role of this variant in disease. Therefore, it has been classified as a Variant of Uncertain Significance.

Sema4
Classification: Uncertain significance for Hereditary cancer-predisposing syndrome. Last evaluated: 2021-12-17. Review status: criteria provided, single submitter. Criteria: Sema4 Curation Guidelines. Collection method: curation. Allele origin: germline.
Comment: The AXIN2 c.2037C>G (p.F679L) variant has not been reported in the literature to our knowledge. It was observed in 1/108898 chromosomes of the Non-Finnish European subpopulation in the large and broad cohorts of the Genome Aggregation Database (PMID: 32461654). This variant has been reported in ClinVar (Variation ID 1015856). Functional studies have not been performed, and in silico predictions of the variant's effect on protein function are inconclusive. The evidence is insufficient to meet ACMG/AMP criteria for classifying the variant as benign or pathogenic. Thus, the clinical significance of this variant is currently uncertain.

NM_004655.4(AXIN2):c.2037C>G (p.Phe679Leu)

Gene: AXIN2 (axin 2; minus strand). Cytogenetic location: 17q24.1.
Variant type: single nucleotide variant.
Coding change: c.2037C>G on transcript NM_004655.4 (MANE Select); coding-DNA position 2037, C replaced by G.
Protein change: p.Phe679Leu; replaces phenylalanine 679 with leucine.
Molecular consequence: missense variant.
Genome position (GRCh38, 1-based): chr17:65,536,424, G>C on the plus strand (C>G on the coding strand, the complement: AXIN2 is on the minus strand). VCF-style: chr17-65536424-G-C. GRCh37 (hg19) VCF-style: chr17-63532542-G-C.
Other names: c.1842C>G, p.Phe614Leu (NM_001363813.1); short protein forms F614L, F679L.
Identifiers: ClinVar variation 1015856 (VCV001015856.10), dbSNP rs1165276318, ClinGen allele CA400676115.